The following is an entry in ClinVar:

ClinVar aggregate classification (germline): Pathogenic (1 of 4 stars; one submission).

Allele frequency attached by ClinVar (database versions not stated): gnomAD 0.00001; TOPMed 0.00002; ExAC 0.00003; ESP Exome Variant Server 0.00008.
gnomAD v4.1: 22 of 1,612,542 alleles (0.0014%); highest among the groups gnomAD compares: South Asian, 0.0022%; no homozygotes.

Submission:

GeneDx
Classification: Pathogenic. Last evaluated: 2023-02-24. Review status: criteria provided, single submitter. Criteria: GeneDx Variant Classification Process June 2021. Collection method: clinical testing. Allele origin: germline. Affected: yes.
Comment: Nonsense variant predicted to result in protein truncation or nonsense mediated decay in a gene for which loss of function is a known mechanism of disease; This variant is associated with the following publications: (PMID: 31618474)

NM_001142416.2(AIMP1):c.145C>T (p.Arg49Ter)

Gene: AIMP1 (aminoacyl tRNA synthetase complex interacting multifunctional protein 1; plus strand). Cytogenetic location: 4q24.
Variant type: single nucleotide variant.
Coding change: c.145C>T on transcript NM_001142416.2 (MANE Select); coding-DNA position 145, C replaced by T.
Protein change: p.Arg49Ter; replaces arginine 49 with a stop codon.
Molecular consequence: nonsense.
Genome position (GRCh38, 1-based): chr4:106,327,486, C>T. VCF-style: chr4-106327486-C-T. GRCh37 (hg19) VCF-style: chr4-107248643-C-T.
Other names: c.145C>T, p.Arg49Ter (NM_001142415.2, NM_004757.4); short protein forms R49*.
Identifiers: ClinVar variation 2576924 (VCV002576924.1), dbSNP rs373122636, ClinGen allele CA3035636.